The following is an entry in ClinVar:

NM_000089.4(COL1A2):c.2297G>T (p.Gly766Val)

Gene: COL1A2 (collagen type I alpha 2 chain; plus strand). Cytogenetic location: 7q21.3.
Variant type: single nucleotide variant.
Coding change: c.2297G>T on transcript NM_000089.4 (MANE Select); coding-DNA position 2297, G replaced by T.
Protein change: p.Gly766Val; replaces glycine 766 with valine.
Molecular consequence: missense variant.
Genome position (GRCh38, 1-based): chr7:94,421,010, G>T. VCF-style: chr7-94421010-G-T. GRCh37 (hg19) VCF-style: chr7-94050322-G-T.
Other names: short protein forms G766V.
Identifiers: ClinVar variation 3384337 (VCV003384337.2).

ClinVar aggregate classification (germline): Pathogenic/Likely pathogenic. Review status: criteria provided, multiple submitters, no conflicts (2 of 4 stars). 2 submissions from 2 submitters: Pathogenic (1); Likely pathogenic (1). Last evaluated 2025-02-19.

Conditions:
COL1A2-related osteogenesis imperfecta. Identifiers: MedGen CN379211, MONDO:0100596.

Submissions (2):

Division of Genetic & Genomic Pathology, Hong Kong Children's Hospital
Classification: Likely pathogenic for COL1A2-related osteogenesis imperfecta. Last evaluated: 2025-02-19. Review status: criteria provided, single submitter. Criteria: ACMG Guidelines, 2015. Collection method: clinical testing. Allele origin: somatic. Affected: yes.
Comment: COL1A2:c.2297G>T (p.Gly766Val) is a missense variant in exon 38 of 52 in the COL1A2 gene, which encodes the collagen type I pro-alpha2 chain. This variant is absent from population control databases (gnomAD v2.1.1 and v4.1.0), and has been reported in two patients with osteogenesis imperfecta, with one de novo occurrence (PMIDs: 7693712, 17078022). The variant has been submitted to ClinVar as pathogenic (Accession: VCV003384337.1). COL1A2:c.2297G>T (p.Gly766Val) disrupts a glycine residue in the COL1A2 triple helix domain, with in silico tools predicting a deleterious effect on protein function (REVEL score 0.954). Other variants affecting the same glycine codon have also been reported as pathogenic (PMIDs: 31737030, 37270749). For these reasons, COL1A2:c.2297G>T (p.Gly766Val) is classified as likely pathogenic.

GeneDx
Classification: Pathogenic. Last evaluated: 2024-06-03. Review status: criteria provided, single submitter. Criteria: GeneDx Variant Classification Process June 2021. Collection method: clinical testing. Allele origin: germline. Affected: yes.
Comment: Occurs in the triple helical domain and replaces a glycine in a canonical Gly-X-Y repeat; missense substitution of a canonical glycine residue is expected to disrupt normal protein folding and function, and this is an established mechanism of disease (PMID: 34007986); Not observed at significant frequency in large population cohorts (gnomAD); In silico analysis supports that this missense variant has a deleterious effect on protein structure/function; Also known as p.G676V; This variant is associated with the following publications: (PMID: 7693712, 34007986)

Literature cited by the submitters: PubMed 7693712 (cited by Division of Genetic & Genomic Pathology, Hong Kong Children's Hospital); PubMed 17078022 (cited by Division of Genetic & Genomic Pathology, Hong Kong Children's Hospital); PubMed 31737030 (cited by Division of Genetic & Genomic Pathology, Hong Kong Children's Hospital); PubMed 37270749 (cited by Division of Genetic & Genomic Pathology, Hong Kong Children's Hospital).